The following is an entry in ClinVar:

ClinVar aggregate classification (germline): Uncertain significance (1 of 4 stars; one submission).

Conditions:
Noonan syndrome (NS). Also called: Noonan's syndrome. Identifiers: Orphanet 648, MedGen C0028326, MeSH D009634, MONDO:0018997. Disease mechanism: gain of function.

Submission:

Labcorp Genetics (formerly Invitae), Labcorp
Classification: Uncertain significance for Noonan syndrome. Last evaluated: 2022-08-03. Review status: criteria provided, single submitter. Criteria: Invitae Variant Classification Sherloc (09022015). Collection method: clinical testing. Allele origin: germline.
Comment: In summary, the available evidence is currently insufficient to determine the role of this variant in disease. Therefore, it has been classified as a Variant of Uncertain Significance. Algorithms developed to predict the effect of missense changes on protein structure and function (SIFT, PolyPhen-2, Align-GVGD) all suggest that this variant is likely to be tolerated. This variant has not been reported in the literature in individuals affected with RRAS-related conditions. This variant is not present in population databases (gnomAD no frequency). This sequence change replaces alanine, which is neutral and non-polar, with proline, which is neutral and non-polar, at codon 159 of the RRAS protein (p.Ala159Pro).

NM_006270.5(RRAS):c.475G>C (p.Ala159Pro)

Gene: RRAS (RAS related; minus strand). Cytogenetic location: 19q13.33.
Variant type: single nucleotide variant.
Coding change: c.475G>C on transcript NM_006270.5 (MANE Select); coding-DNA position 475, G replaced by C.
Protein change: p.Ala159Pro; replaces alanine 159 with proline.
Molecular consequence: missense variant.
Genome position (GRCh38, 1-based): chr19:49,635,831, C>G on the plus strand (G>C on the coding strand, the complement: RRAS is on the minus strand). VCF-style: chr19-49635831-C-G. GRCh37 (hg19) VCF-style: chr19-50139088-C-G.
Other names: short protein forms A159P.
Identifiers: ClinVar variation 1713384 (VCV001713384.5), dbSNP rs2513705524, ClinGen allele CA406845915.
Genomic context (GRCh38, chr19:49,635,831, plus strand): 5'-CGTTGAGACGCAGTTTGGCCGAGGCCTCAAAGTAGGCCACGTGGTGGGAGGCGCCGAAGG[C>G]AGAGGCTTCTGATCGGGGGACCTGGGGGTAGGGGGGACACGGGGGAGTCAGGTCCCTGCA-3'
Protein context (NP_006261.1, residues 149-169): QRQVPRSEAS[Ala159Pro]FGASHHVAYF